The following is an entry in ClinVar:

NM_000535.7(PMS2):c.216A>T (p.Gly72=)

Gene: PMS2 (PMS1 homolog 2, mismatch repair system component; minus strand). Cytogenetic location: 7p22.1.
Variant type: single nucleotide variant.
Coding change: c.216A>T on transcript NM_000535.7 (MANE Select); coding-DNA position 216, A replaced by T.
Protein change: p.Gly72=; no amino-acid change (glycine 72 retained).
Molecular consequence: synonymous variant. On other transcripts: 5 prime UTR variant (37), missense variant (7), initiator codon variant (7), non-coding transcript variant (1), intron variant (1).
Genome position (GRCh38, 1-based): chr7:6,004,006, T>A on the plus strand (A>T on the coding strand, the complement: PMS2 is on the minus strand). VCF-style: chr7-6004006-T-A. GRCh37 (hg19) VCF-style: chr7-6043637-T-A.
Other names: c.-190A>T (NM_001322003.2, NM_001322004.2, NM_001322005.2 and 13 more transcripts); c.216A>T, p.Gly72= (NM_001322006.2, NM_001322014.2, NM_001406868.1 and 10 more transcripts); c.1A>T, p.Met1Leu (NM_001322007.2, NM_001322008.2, NM_001406876.1 and 4 more transcripts); c.-669A>T (NM_001322011.2, NM_001322012.2); c.-269A>T (NM_001322015.2, NM_001406875.1, NM_001406877.1 and 3 more transcripts); c.402A>T, p.Gly134= (NM_001406866.1); c.-216A>T (NM_001406880.1); c.-166A>T (NM_001406881.1, NM_001406900.1); and 3 more; short protein forms M1L.
Identifiers: ClinVar variation 3903612 (VCV003903612.1).

ClinVar aggregate classification (germline): Benign (1 of 4 stars; one submission).

Conditions:
Lynch syndrome 4 (LYNCH4). Also called: Colorectal cancer, hereditary nonpolyposis, type 4; Hereditary non-polyposis colorectal cancer, type 4. Identifiers: Orphanet 144, MedGen C1838333, MONDO:0013699, OMIM 614337. Disease mechanism: loss of function.

gnomAD v4.1: 1 of 1,605,856 alleles (0.000062%); highest among the groups gnomAD compares: South Asian, 0.0011%; no homozygotes.

Submission:

Myriad Genetics, Inc.
Classification: Benign for Lynch syndrome 4. Last evaluated: 2025-01-23. Review status: criteria provided, single submitter. Criteria: Myriad Autosomal Dominant, Autosomal Recessive and X-Linked Classification Criteria (2023). Collection method: clinical testing. Allele origin: unknown.
Comment: This variant is considered benign. This variant is a silent/synonymous amino acid change and it is not expected to impact splicing.